The following is an entry in ClinVar:

NM_000051.4(ATM):c.6988C>G (p.Leu2330Val)

Genes: ATM (ATM serine/threonine kinase; plus strand), C11orf65 (chromosome 11 open reading frame 65; minus strand). Cytogenetic location: 11q22.3.
Variant type: single nucleotide variant.
Coding change: c.6988C>G on transcript NM_000051.4 (MANE Select); coding-DNA position 6988, C replaced by G.
Protein change: p.Leu2330Val; replaces leucine 2330 with valine.
Molecular consequence: missense variant. On other transcripts: intron variant (2).
Genome position (GRCh38, 1-based): chr11:108,327,657, C>G. VCF-style: chr11-108327657-C-G. GRCh37 (hg19) VCF-style: chr11-108198384-C-G.
Other names: p.L2330V:CTA>GTA; NP_000042.3:p.Leu2330Val; c.6988C>G, p.Leu2330Val (NM_001351834.2); c.641-18586G>C (NM_001330368.2); c.*38+7563G>C (NM_001351110.2); short protein forms L2330V.
Identifiers: ClinVar variation 127433 (VCV000127433.77), dbSNP rs148432863, ClinGen allele CA286954.

ClinVar aggregate classification (germline): Conflicting classifications of pathogenicity. Review status: criteria provided, conflicting classifications (1 of 4 stars). 25 submissions from 25 submitters: Uncertain significance (2); Benign (4); Likely benign (13). 6 of the submissions do not count toward it. Last evaluated 2026-01-31.

Conditions:
ATM-related cancer predisposition. Also called: ATM-related cancer susceptibility. Identifiers: MedGen CN377759, MONDO:0700270.
Hereditary cancer. Identifiers: MedGen C1333600.
ATM-related disorder. Also called: ATM-related disorders; ATM-related condition.
Familial colorectal cancer type X. Identifiers: Orphanet 440437, MedGen C3896578, MONDO:0018604.
Hereditary cancer-predisposing syndrome. Also called: Neoplastic Syndromes, Hereditary; Hereditary Cancer Syndrome; Tumor predisposition; Hereditary neoplastic syndrome. Identifiers: Orphanet 140162, MedGen C0027672, MeSH D009386, MONDO:0015356.
Hereditary breast ovarian cancer syndrome. Also called: BRCA1- and BRCA2-Associated Hereditary Breast and Ovarian Cancer; Hereditary breast and ovarian cancer syndrome; Hereditary breast and ovarian cancer syndrome (HBOC); Hereditary breast and/or ovarian cancer syndrome; Hereditary breast and ovarian cancer; Breast and ovarian cancer. Identifiers: Orphanet 145, MedGen C0677776, MeSH D061325, MONDO:0003582. Disease mechanism: loss of function.
Familial cancer of breast. Also called: BREAST CANCER, FAMILIAL; hereditary breast carcinoma; Hereditary breast cancer. Identifiers: Orphanet 227535, MedGen C0346153, MONDO:0016419, OMIM 114480. Disease mechanism: loss of function.
Ataxia-telangiectasia syndrome (AT). Also called: Ataxia-telangiectasia, complementation group D; AT, COMPLEMENTATION GROUP C; Ataxia-telangiectasia; ATAXIA-TELANGIECTASIA, COMPLEMENTATION GROUP A; ATAXIA-TELANGIECTASIA, FRESNO VARIANT; Ataxia-telangiectasia, complementation group E. Identifiers: Orphanet 100, MedGen C0004135, MONDO:0008840, OMIM 208900.

Allele frequency attached by ClinVar (database versions not stated): TOPMed 0.00069; gnomAD 0.00075 and 0.00068; ESP Exome Variant Server 0.00092; 1000 Genomes Project 0.00100; gnomAD exomes 0.00008 and 0.00021; ExAC 0.00025; 1000 Genomes Project 30x 0.00109.
gnomAD v4.1: 229 of 1,613,796 alleles (0.014%); highest among the groups gnomAD compares: African/African-American, 0.25%; no homozygotes.

Submissions (25):

Labcorp Genetics (formerly Invitae), Labcorp
Classification: Benign for Ataxia-telangiectasia syndrome. Last evaluated: 2026-01-31. Review status: criteria provided, single submitter. Criteria: Invitae Variant Classification Sherloc (09022015). Collection method: clinical testing. Allele origin: germline.

Dasa
Classification: Likely benign for ATM-related cancer predisposition. Last evaluated: 2025-11-24. Review status: criteria provided, single submitter. Criteria: DASA Assertion Criteria. Collection method: clinical testing. Allele origin: germline.
Comment: NM_000051.4(ATM):c.6988C>G (p.Leu2330Val) is a missense variant that results in the substitution of leucine with valine. Population frequency is inconsistent with a disease-causing role for this variant. Therefore, based on the currently available evidence, this variant is classified as likely benign.

Athena Diagnostics
Classification: Likely benign. Last evaluated: 2025-09-17. Review status: criteria provided, single submitter. Criteria: Athena Diagnostics Criteria. Collection method: clinical testing. Allele origin: unknown.
Comment: The frequency of this variant in the general population is higher than would generally be expected for pathogenic variants in this gene.

CeGaT Center for Human Genetics Tuebingen
Classification: Likely benign. Last evaluated: 2025-08-01. Review status: criteria provided, single submitter. Criteria: CeGaT Center For Human Genetics Tuebingen Variant Classification Criteria Version 2. Collection method: clinical testing. Allele origin: germline. Affected: yes. Observed: 4 variant alleles.
Comment: ATM: BP4, BS1

Mayo Clinic Laboratories, Mayo Clinic
Classification: Likely benign. Last evaluated: 2024-10-02. Review status: criteria provided, single submitter. Criteria: ACMG Guidelines, 2015. Collection method: clinical testing. Allele origin: germline. Observed: 3 variant alleles.
Comment: BS1

Myriad Genetics, Inc.
Classification: Likely benign for Familial cancer of breast. Last evaluated: 2024-06-12. Review status: criteria provided, single submitter. Criteria: Myriad Autosomal Dominant, Autosomal Recessive and X-Linked Classification Criteria (2023). Collection method: clinical testing. Allele origin: unknown.
Comment: This variant is considered likely benign. This variant is strongly associated with less severe personal and family histories of cancer, typical for individuals without pathogenic variants in this gene [PMID: 25085752].

ARUP Laboratories, Molecular Genetics and Genomics, ARUP Laboratories
Classification: Likely benign. Last evaluated: 2024-04-05. Review status: criteria provided, single submitter. Criteria: ARUP Molecular Germline Variant Investigation Process 2024. Collection method: clinical testing. Allele origin: germline.

Mendelics
Classification: Likely benign for Hereditary cancer. Last evaluated: 2024-01-23. Review status: criteria provided, single submitter. Criteria: ACMG Guidelines, 2015. Collection method: clinical testing. Allele origin: unknown.

Institute for Biomarker Research, Medical Diagnostic Laboratories, L.L.C.
Classification: Benign for Hereditary cancer-predisposing syndrome. Last evaluated: 2024-01-18. Review status: criteria provided, single submitter. Criteria: ACMG Guidelines, 2015. Collection method: clinical testing. Allele origin: germline.

Department of Pathology and Laboratory Medicine, Sinai Health System
Classification: Uncertain significance for Familial colorectal cancer type X. Last evaluated: 2022-08-24. Review status: criteria provided, single submitter. Criteria: ACMG Guidelines, 2015. Collection method: clinical testing. Allele origin: germline. Affected: yes.

National Health Laboratory Service, Universitas Academic Hospital and University of the Free State
Classification: Benign for Hereditary breast ovarian cancer syndrome. Last evaluated: 2022-04-19. Review status: criteria provided, single submitter. Criteria: ACMG Guidelines, 2015. Collection method: clinical testing. Allele origin: germline. Affected: yes. Observed: 5 variant alleles.

Genetic Services Laboratory, University of Chicago
Classification: Likely benign. Last evaluated: 2021-05-26. Review status: criteria provided, single submitter. Criteria: ACMG Guidelines, 2015. Collection method: clinical testing. Allele origin: germline. Affected: no.

GeneDx
Classification: Likely benign. Last evaluated: 2021-05-07. Review status: criteria provided, single submitter. Criteria: GeneDx Variant Classification Process June 2021. Collection method: clinical testing. Allele origin: germline. Affected: yes.
Comment: This variant is associated with the following publications: (PMID: 19781682, 12810666, 25980754, 11505391, 23555315)

Women's Health and Genetics/Laboratory Corporation of America, LabCorp
Classification: Benign. Last evaluated: 2020-09-25. Review status: criteria provided, single submitter. Criteria: LabCorp Variant Classification Summary - May 2015. Collection method: clinical testing. Allele origin: germline.
Comment: Variant summary: ATM c.6988C>G (p.Leu2330Val) results in a conservative amino acid change located in the PIK-related kinase, FAT domain (IPR003151) of the encoded protein sequence. Four of five in-silico tools predict a benign effect of the variant on protein function. The variant allele was found at a frequency of 0.00021 in 250962 control chromosomes, predominantly at a frequency of 0.0026 within the African or African-American subpopulation in the gnomAD database. The observed variant frequency within African or African-American control individuals in the gnomAD database is approximately 2.6-fold of the estimated maximal expected allele frequency for a pathogenic variant (MPAF) in ATM causing Breast Cancer phenotype (0.001), suggesting that the variant is a benign polymorphism found primarily in populations of African or African-American origin. In addition, the variant was reported in 17/ 2559 African American women (i.e. with an allele frequency of 0.0033), who were older than age 70, and have never had cancer (in the FLOSSIES database); this allele frequency is 3.3-fold higher than the MPAF (0.001), strongly suggesting that the variant is benign. c.6988C>G has been reported in the literature in individuals affected with breast cancer (Teraoka_2001, Tavtigian_2009, Bernstein_2010) and in one individual with Lynch syndrome-associated cancer and/or colorectal polyps (Yurgelun_2015), however without strong evidence for causality. Furthermore, no association with the disease was found for this variant in a large breast cancer case-control study (Haiman_2013). To our knowledge, no experimental evidence demonstrating an impact on protein function has been reported. Six other submitters have provided clinical-significance assessments for this variant in ClinVar after 2014 without evidence for independent evaluation, and classified the variant as VUS (2x) and likely benign (4x). Based on the evidence outlined above, the variant was classified as benign.

Ambry Genetics
Classification: Likely benign for Hereditary cancer-predisposing syndrome. Last evaluated: 2020-09-09. Review status: criteria provided, single submitter. Criteria: Ambry Variant Classification Scheme 2023. Collection method: clinical testing. Allele origin: germline.

Sema4
Classification: Likely benign for Hereditary cancer-predisposing syndrome. Last evaluated: 2020-07-07. Review status: criteria provided, single submitter. Criteria: Sema4 Curation Guidelines. Collection method: curation. Allele origin: germline.

Quest Diagnostics Nichols Institute San Juan Capistrano
Classification: Likely benign. Last evaluated: 2018-11-23. Review status: criteria provided, single submitter. Criteria: Quest Diagnostics criteria. Collection method: clinical testing. Allele origin: unknown.

Eurofins Ntd Llc (ga)
Classification: Uncertain significance. Last evaluated: 2017-07-20. Review status: criteria provided, single submitter. Criteria: EGL Classification Definitions 2015. Collection method: clinical testing. Allele origin: germline. Observed: 1 variant allele, 1 heterozygote.

Color Diagnostics, LLC DBA Color Health
Classification: Likely benign for Hereditary cancer-predisposing syndrome. Last evaluated: 2015-12-08. Review status: criteria provided, single submitter. Criteria: ACMG Guidelines, 2015. Collection method: clinical testing. Allele origin: germline.

PreventionGenetics, part of Exact Sciences
Classification: Likely benign for ATM-related condition. Last evaluated: 2022-07-06. Review status: no assertion criteria provided. Collection method: clinical testing. Allele origin: germline. Not counted in ClinVar's aggregate classification.
Comment: This variant is classified as likely benign based on ACMG/AMP sequence variant interpretation guidelines (Richards et al. 2015 PMID: 25741868, with internal and published modifications).

Natera, Inc.
Classification: Uncertain significance for Ataxia-telangiectasia. Last evaluated: 2019-10-30. Review status: no assertion criteria provided. Collection method: clinical testing. Allele origin: germline. Not counted in ClinVar's aggregate classification.

Clinical Genetics DNA and cytogenetics Diagnostics Lab, Erasmus MC, Erasmus Medical Center
Classification: Likely benign. Review status: no assertion criteria provided. Collection method: clinical testing. Allele origin: germline. Affected: yes. Study: VKGL Data-share Consensus. Not counted in ClinVar's aggregate classification.

Diagnostic Laboratory, Department of Genetics, University Medical Center Groningen
Classification: Likely benign. Review status: no assertion criteria provided. Collection method: clinical testing. Allele origin: germline. Affected: yes. Study: VKGL Data-share Consensus. Not counted in ClinVar's aggregate classification.

Genome Diagnostics Laboratory, Amsterdam University Medical Center
Classification: Likely benign. Review status: no assertion criteria provided. Collection method: clinical testing. Allele origin: germline. Affected: yes. Study: VKGL Data-share Consensus. Not counted in ClinVar's aggregate classification.

Genome Diagnostics Laboratory, University Medical Center Utrecht
Classification: Likely benign. Review status: no assertion criteria provided. Collection method: clinical testing. Allele origin: germline. Affected: yes. Study: VKGL Data-share Consensus. Not counted in ClinVar's aggregate classification.

Literature cited by the submitters: PubMed 28652578 (cited by 3 submitters); PubMed 20305132 (cited by 4 submitters); PubMed 30197789 (cited by 3 submitters); PubMed 33471991 (cited by Athena Diagnostics and Quest Diagnostics Nichols Institute San Juan Capistrano); PubMed 36315513 (cited by Athena Diagnostics); PubMed 11505391 (cited by 4 submitters); PubMed 25980754 (cited by 4 submitters); PubMed 19781682 (cited by 5 submitters); PubMed 12810666 (cited by 4 submitters); PubMed 25085752 (cited by Myriad Genetics, Inc.); PubMed 28625278 (cited by Department of Pathology and Laboratory Medicine, Sinai Health System); PubMed 23555315 (cited by Women's Health and Genetics/Laboratory Corporation of America, LabCorp).